The following is an entry in ClinVar:

NC_000023.11:g.153794577A>G

Gene: SSR4 (signal sequence receptor subunit 4; plus strand). Cytogenetic location: Xq28.
Variant type: single nucleotide variant.
Molecular consequence: missense variant (on NM_001204526.2). On other transcripts: non-coding transcript variant (1), intron variant (3).
Genome position: GRCh38 VCF-style: chrX-153794577-A-G. GRCh37 (hg19) VCF-style: chrX-153060032-A-G.
Other names: c.11A>G, p.Gln4Arg (NM_001204526.2); c.-14-97A>G (NM_001440796.1); c.68-97A>G (NM_001440795.1); c.11-97A>G (NM_001204527.2); short protein forms Q4R.
Identifiers: ClinVar variation 4777511 (VCV004777511.1).

ClinVar aggregate classification (germline): Uncertain significance (1 of 4 stars; one submission).

Submission:

Labcorp Genetics (formerly Invitae), Labcorp
Classification: Uncertain significance. Last evaluated: 2025-08-27. Review status: criteria provided, single submitter. Criteria: Invitae Variant Classification Sherloc (09022015). Collection method: clinical testing. Allele origin: germline.
Comment: This sequence change replaces glutamine, which is neutral and polar, with arginine, which is basic and polar, at codon 4 of the SSR4 protein (p.Gln4Arg). This variant is not present in population databases (gnomAD no frequency). This variant has not been reported in the literature in individuals affected with SSR4-related conditions. Experimental studies and prediction algorithms are not available or were not evaluated, and the functional significance of this variant is currently unknown. In summary, the available evidence is currently insufficient to determine the role of this variant in disease. Therefore, it has been classified as a Variant of Uncertain Significance.